The following is an entry in ClinVar:

ClinVar aggregate classification (germline): Likely benign. Review status: criteria provided, multiple submitters, no conflicts (2 of 4 stars). 3 submissions from 3 submitters: Likely benign (3). Last evaluated 2025-03-09.

Conditions:
Hereditary cancer-predisposing syndrome. Also called: Hereditary Cancer Syndrome; Neoplastic Syndromes, Hereditary; Tumor predisposition; Hereditary neoplastic syndrome. Identifiers: Orphanet 140162, MedGen C0027672, MeSH D009386, MONDO:0015356.
Ataxia-telangiectasia syndrome (AT). Also called: Cerebello-oculocutaneous telangiectasia; Immunodeficiency with ataxia telangiectasia; Ataxia-telangiectasia, complementation group E; Ataxia-telangiectasia, complementation group D; AT, COMPLEMENTATION GROUP C; ATAXIA-TELANGIECTASIA, COMPLEMENTATION GROUP A. Identifiers: Orphanet 100, MedGen C0004135, MONDO:0008840, OMIM 208900.

Allele frequency attached by ClinVar (database versions not stated): gnomAD 0.00001; gnomAD exomes below 0.00001; TOPMed below 0.00001.
gnomAD v4.1: 3 of 1,568,080 alleles (0.00019%); highest among the groups gnomAD compares: African/African-American, 0.0014%; no homozygotes.

Submissions (3):

Labcorp Genetics (formerly Invitae), Labcorp
Classification: Likely benign for Ataxia-telangiectasia syndrome. Last evaluated: 2025-03-09. Review status: criteria provided, single submitter. Criteria: Invitae Variant Classification Sherloc (09022015). Collection method: clinical testing. Allele origin: germline.

Color Diagnostics, LLC DBA Color Health
Classification: Likely benign for Hereditary cancer-predisposing syndrome. Last evaluated: 2018-12-04. Review status: criteria provided, single submitter. Criteria: ACMG Guidelines, 2015. Collection method: clinical testing. Allele origin: germline.

GeneDx
Classification: Likely benign. Last evaluated: 2017-06-12. Review status: criteria provided, single submitter. Criteria: GeneDx Variant Classification (06012015). Collection method: clinical testing. Allele origin: germline. Affected: yes.
Comment: This variant is considered likely benign or benign based on one or more of the following criteria: it is a conservative change, it occurs at a poorly conserved position in the protein, it is predicted to be benign by multiple in silico algorithms, and/or has population frequency not consistent with disease.

NM_000051.4(ATM):c.8268+18T>C

Genes: C11orf65 (chromosome 11 open reading frame 65; minus strand), ATM (ATM serine/threonine kinase; plus strand). Cytogenetic location: 11q22.3.
Variant type: single nucleotide variant.
Coding change: c.8268+18T>C on transcript NM_000051.4 (MANE Select); 18 bases into the intron after coding-DNA position 8268, T replaced by C.
Molecular consequence: intron variant.
Genome position (GRCh38, 1-based): chr11:108,335,979, T>C. VCF-style: chr11-108335979-T-C. GRCh37 (hg19) VCF-style: chr11-108206706-T-C.
Other names: c.8268+18T>C (NM_001351834.2); c.641-26908A>G (NM_001330368.2); c.695-687A>G (NM_001351110.2).
Identifiers: ClinVar variation 516321 (VCV000516321.11), dbSNP rs1555128701, ClinGen allele CA601727617.